The following is an entry in ClinVar:

ClinVar aggregate classification (germline): Uncertain significance (1 of 4 stars; one submission).

Conditions:
Autosomal recessive limb-girdle muscular dystrophy type 2O. Also called: Limb-Girdle Muscular Dystrophy Type 3C; MUSCULAR DYSTROPHY-DYSTROGLYCANOPATHY (LIMB-GIRDLE), TYPE C, 3; MUSCULAR DYSTROPHY-DYSTROGLYCANOPATHY, LIMB-GIRDLE, POMGNT1-RELATED. Identifiers: Orphanet 206564, MedGen C3150417, MONDO:0013161, OMIM 613157.
Muscular dystrophy-dystroglycanopathy (congenital with impaired intellectual development), type B, 3. Also called: MUSCULAR DYSTROPHY, CONGENITAL, POMGNT1-RELATED; Muscular dystrophy-dystroglycanopathy (congenital with intellectual disability), type B3. Identifiers: MedGen C3150412, MONDO:0013155, OMIM 613151.

Submission:

Labcorp Genetics (formerly Invitae), Labcorp
Classification: Uncertain significance for Autosomal recessive limb-girdle muscular dystrophy type 2O; Muscular dystrophy-dystroglycanopathy (congenital with impaired intellectual development), type B, 3. Last evaluated: 2025-02-24. Review status: criteria provided, single submitter. Criteria: Invitae Variant Classification Sherloc (09022015). Collection method: clinical testing. Allele origin: germline.
Comment: This sequence change replaces glutamic acid, which is acidic and polar, with aspartic acid, which is acidic and polar, at codon 444 of the POMGNT1 protein (p.Glu444Asp). This variant is not present in population databases (gnomAD no frequency). This variant has not been reported in the literature in individuals affected with POMGNT1-related conditions. ClinVar contains an entry for this variant (Variation ID: 1053473). Invitae Evidence Modeling of protein sequence and biophysical properties (such as structural, functional, and spatial information, amino acid conservation, physicochemical variation, residue mobility, and thermodynamic stability) has been performed for this missense variant. However, the output from this modeling did not meet the statistical confidence thresholds required to predict the impact of this variant on POMGNT1 protein function. In summary, the available evidence is currently insufficient to determine the role of this variant in disease. Therefore, it has been classified as a Variant of Uncertain Significance.

NM_017739.4(POMGNT1):c.1332G>T (p.Glu444Asp)

Genes: POMGNT1 (protein O-linked mannose N-acetylglucosaminyltransferase 1 (beta 1,2-); minus strand), TSPAN1 (tetraspanin 1; plus strand). Cytogenetic location: 1p34.1.
Variant type: single nucleotide variant.
Coding change: c.1332G>T on transcript NM_017739.4 (MANE Select); coding-DNA position 1332, G replaced by T.
Protein change: p.Glu444Asp; replaces glutamic acid 444 with aspartic acid.
Molecular consequence: missense variant.
Genome position (GRCh38, 1-based): chr1:46,192,389, C>A on the plus strand (G>T on the coding strand, the complement: POMGNT1 is on the minus strand). VCF-style: chr1-46192389-C-A. GRCh37 (hg19) VCF-style: chr1-46658061-C-A.
Other names: c.1332G>T, p.Glu444Asp (NM_001243766.2, NM_001410783.1); c.1266G>T, p.Glu422Asp (NM_001290129.3); c.903G>T, p.Glu301Asp (NM_001290130.2); short protein forms E301D, E422D, E444D.
Identifiers: ClinVar variation 1053473 (VCV001053473.9), dbSNP rs2148185834, ClinGen allele CA340175532.